The following is an entry in ClinVar:

ClinVar aggregate classification (germline): Pathogenic (1 of 4 stars; one submission).

Conditions:
Von Hippel-Lindau syndrome (VHLS). Also called: VHL syndrome; Von Hippel-Lindau; von Hippel–Lindau syndrome. Identifiers: Orphanet 892, MedGen C0019562, MONDO:0008667, OMIM 193300. Disease mechanism: loss of function.
Chuvash polycythemia. Also called: POLYCYTHEMIA, VHL-DEPENDENT. Identifiers: Orphanet 238557, MedGen C1837915, MONDO:0009892, OMIM 263400.

Submission:

Labcorp Genetics (formerly Invitae), Labcorp
Classification: Pathogenic for Von Hippel-Lindau syndrome; Chuvash polycythemia. Last evaluated: 2023-10-12. Review status: criteria provided, single submitter. Criteria: Invitae Variant Classification Sherloc (09022015). Collection method: clinical testing. Allele origin: germline.
Comment: This sequence change creates a premature translational stop signal (p.Val137Cysfs*7) in the VHL gene. It is expected to result in an absent or disrupted protein product. Loss-of-function variants in VHL are known to be pathogenic (PMID: 8956040, 12202531). This variant is not present in population databases (gnomAD no frequency). This variant has not been reported in the literature in individuals affected with VHL-related conditions. For these reasons, this variant has been classified as Pathogenic.

Literature cited by the submitters: PubMed 8956040; PubMed 12202531.

NM_000551.4(VHL):c.408dup (p.Val137fs)

Genes: VHL (von Hippel-Lindau tumor suppressor; plus strand), LOC107303340 (3p25 von Hippel-Lindau tumor suppressor, E3 ubiquitin protein ligase Alu-mediated recombination region; plus strand). Cytogenetic location: 3p25.3.
Variant type: Duplication.
Coding change: c.408dup on transcript NM_000551.4 (MANE Select); coding-DNA position 408, one base duplicated (T; older notation c.408dupT).
Protein change: p.Val137fs; shifts the reading frame from valine 137.
Molecular consequence: frameshift variant. On other transcripts: non-coding transcript variant (1), intron variant (2).
Genome position (GRCh38, 1-based): chr3:10,146,581, T duplicated; the last of 3 consecutive T bases (chr3:10,146,579-10,146,581); duplicating any one gives the same sequence. VCF-style (leftmost placement, unchanged base first): chr3-10146578-A-AT. GRCh37 (hg19) VCF-style: chr3-10188262-A-AT.
Other names: c.*18-3206dup (NM_001354723.2); c.341-3206dup (NM_198156.3); short protein forms V137fs.
Identifiers: ClinVar variation 2952792 (VCV002952792.3), dbSNP rs397516442, ClinGen allele CA432421856.
Genomic context (GRCh38, chr3:10,146,578, plus strand): 5'-CCTTTGGCTCTTCAGAGATGCAGGGACACACGATGGGCTTCTGGTTAACCAAACTGAATT[A>AT]TTTGTGCCATCTCTCAATGTTGACGGACAGCCTATTTTTGCCAATATCACACTGCCAGGT-3'